The following is an entry in ClinVar:

NM_201384.3(PLEC):c.7666C>T (p.Arg2556Trp)

Gene: PLEC (plectin; minus strand). Cytogenetic location: 8q24.3.
Variant type: single nucleotide variant.
Coding change: c.7666C>T on transcript NM_201384.3 (MANE Select); coding-DNA position 7666, C replaced by T.
Protein change: p.Arg2556Trp; replaces arginine 2556 with tryptophan.
Molecular consequence: missense variant.
Genome position (GRCh38, 1-based): chr8:143,922,155, G>A on the plus strand (C>T on the coding strand, the complement: PLEC is on the minus strand). VCF-style: chr8-143922155-G-A. GRCh37 (hg19) VCF-style: chr8-144996323-G-A.
Other names: c.7747C>T, p.Arg2583Trp (NM_000445.5); c.7624C>T, p.Arg2542Trp (NM_201378.4); c.7600C>T, p.Arg2534Trp (NM_201379.3); c.8077C>T, p.Arg2693Trp (NM_201380.4); c.7570C>T, p.Arg2524Trp (NM_201381.3); c.7666C>T, p.Arg2556Trp (NM_201382.4); c.7678C>T, p.Arg2560Trp (NM_201383.3); short protein forms R2524W, R2693W, R2556W, R2542W, R2560W, R2583W, R2534W.
Identifiers: ClinVar variation 967465 (VCV000967465.14), dbSNP rs781882121, ClinGen allele CA4925552.

ClinVar aggregate classification (germline): Conflicting classifications of pathogenicity. Review status: criteria provided, conflicting classifications (1 of 4 stars). 4 submissions from 4 submitters: Uncertain significance (3); Likely benign (1). Last evaluated 2026-01-27.

Conditions:
PLEC-related disorder. Also called: PLEC-related disorders; PLEC-related condition.
Epidermolysis bullosa simplex, Ogna type (EBS5A). Also called: Pidermolysis bullosa simplex 5A, Ogna type; EPIDERMOLYSIS BULLOSA SIMPLEX 5A, OGNA TYPE. Identifiers: Orphanet 79401, MedGen C0432317, MONDO:0007555, OMIM 131950.
Epidermolysis bullosa simplex 5B, with muscular dystrophy (EBS5B). Also called: Epidermolysis bullosa simplex with muscular dystrophy; EPIDERMOLYSIS BULLOSA SIMPLEX AND LIMB-GIRDLE MUSCULAR DYSTROPHY. Identifiers: Orphanet 257, MedGen C2931072, MONDO:0009181, OMIM 226670.
Epidermolysis bullosa simplex with nail dystrophy (EBS5D). Identifiers: MedGen C4225309, MONDO:0014661, OMIM 616487.
Autosomal recessive limb-girdle muscular dystrophy type 2Q (LGMDR17). Also called: MUSCULAR DYSTROPHY, LIMB-GIRDLE, AUTOSOMAL RECESSIVE 17. Identifiers: Orphanet 254361, MedGen C3150989, MONDO:0013390, OMIM 613723.
Epidermolysis bullosa simplex 5C, with pyloric atresia (EBS5C). Also called: PLEC-Related Epidermolysis Bullosa with Pyloric Atresia; Epidermolysis bullosa simplex with pyloric atresia; PLEC1-Related Epidermolysis Bullosa with Pyloric Atresia. Identifiers: Orphanet 158684, MedGen C2677349, MONDO:0012807, OMIM 612138.

Allele frequency attached by ClinVar (database versions not stated): TOPMed 0.00004; gnomAD 0.00005; gnomAD exomes 0.00012; ExAC 0.00033.
gnomAD v4.1: 96 of 1,540,300 alleles (0.0062%); highest among the groups gnomAD compares: East Asian, 0.012%; no homozygotes.

Submissions (4):

PreventionGenetics, part of Exact Sciences
Classification: Uncertain significance for PLEC-related condition. Last evaluated: 2026-01-27. Review status: criteria provided, single submitter. Criteria: ACMG Guidelines, 2015. Collection method: clinical testing. Allele origin: germline.
Comment: The PLEC c.7747C>T variant is predicted to result in the amino acid substitution p.Arg2583Trp. To our knowledge, this variant has not been reported in the literature. This variant is reported in 0.10% of alleles in individuals of Ashkenazi Jewish descent in gnomAD. Although we suspect that this variant may be benign, at this time, the clinical significance of this variant is uncertain due to the absence of conclusive functional and genetic evidence.

Labcorp Genetics (formerly Invitae), Labcorp
Classification: Uncertain significance for Autosomal recessive limb-girdle muscular dystrophy type 2Q; Epidermolysis bullosa simplex, Ogna type; Epidermolysis bullosa simplex with nail dystrophy; Epidermolysis bullosa simplex 5C, with pyloric atresia; Epidermolysis bullosa simplex 5B, with muscular dystrophy. Last evaluated: 2025-03-13. Review status: criteria provided, single submitter. Criteria: Invitae Variant Classification Sherloc (09022015). Collection method: clinical testing. Allele origin: germline.
Comment: This sequence change replaces arginine, which is basic and polar, with tryptophan, which is neutral and slightly polar, at codon 2583 of the PLEC protein (p.Arg2583Trp). This variant is present in population databases (rs781882121, gnomAD 0.1%). This variant has not been reported in the literature in individuals affected with PLEC-related conditions. ClinVar contains an entry for this variant (Variation ID: 967465). Invitae Evidence Modeling of protein sequence and biophysical properties (such as structural, functional, and spatial information, amino acid conservation, physicochemical variation, residue mobility, and thermodynamic stability) indicates that this missense variant is not expected to disrupt PLEC protein function with a negative predictive value of 80%. In summary, the available evidence is currently insufficient to determine the role of this variant in disease. Therefore, it has been classified as a Variant of Uncertain Significance.

Revvity Omics, Revvity
Classification: Uncertain significance. Last evaluated: 2019-06-13. Review status: criteria provided, single submitter. Criteria: ACMG Guidelines, 2015. Collection method: clinical testing. Allele origin: germline.

GeneDx
Classification: Likely benign. Last evaluated: 2018-09-17. Review status: criteria provided, single submitter. Criteria: GeneDx Variant Classification Process June 2021. Collection method: clinical testing. Allele origin: germline. Affected: yes.